The following is an entry in ClinVar:

NC_000017.10:g.(41256974_41258472)_(41258551_41267742)del

Gene: BRCA1 (BRCA1 DNA repair associated; minus strand). Cytogenetic location: 17q21.31.
Variant type: Deletion.
Identifiers: ClinVar variation 1683333 (VCV001683333.1).

ClinVar aggregate classification (germline): Pathogenic (1 of 4 stars; one submission).

Conditions:
Hereditary breast ovarian cancer syndrome. Also called: Hereditary breast and ovarian cancer syndrome; BRCA1- and BRCA2-Associated Hereditary Breast and Ovarian Cancer; Hereditary breast and ovarian cancer syndrome (HBOC); Hereditary breast and/or ovarian cancer syndrome; Breast and ovarian cancer; Hereditary breast and ovarian cancer. Identifiers: Orphanet 145, MedGen C0677776, MeSH D061325, MONDO:0003582. Disease mechanism: loss of function.

Submission:

Women's Health and Genetics/Laboratory Corporation of America, LabCorp
Classification: Pathogenic for Hereditary breast ovarian cancer syndrome. Last evaluated: 2022-04-25. Review status: criteria provided, single submitter. Criteria: LabCorp Variant Classification Summary - May 2015. Collection method: clinical testing. Allele origin: germline.
Comment: Variant summary: The variant identified by MLPA or other technology involves the deletion of exon 4 (also known as exon 5) in the BRCA1 gene. A presumed nomenclature of c.(134+1_135-1)_(212+1_213-1)del has been designated for the purposes of this classification. Although exact breakpoints of this deletion are not known, it is expected to result in an in-frame deletion of 26 amino acids (amino acids 46-71) in the BRCA1 gene, affecting the RING-type Zinc finger domain (amino acids 24-64; IPR001841) of the BRCA 1 protein. The variant was absent in 21358 control chromosomes (gnomAD database, structural variants dataset). The variant, c.(134+1_135-1)_(212+1_213-1)del, has been reported in the literature in several individuals affected with Hereditary Breast and Ovarian Cancer Syndrome (e.g. Woodward_2005, Smith_2011, Sluiter_2011, Rebbeck_2018, Nones_2019). These data indicate that the variant is very likely to be associated with disease. To our knowledge, no experimental evidence demonstrating an impact on protein function has been reported. One clinical diagnostic laboratory has submitted clinical-significance assessments for this variant to ClinVar after 2014, and classified the variant as likely pathogenic. Based on the evidence outlined above, the variant was classified as pathogenic.

Literature cited by the submitters: PubMed 21281505; PubMed 20232141; PubMed 15863663; PubMed 29446198; PubMed 31090900.